The following is an entry in ClinVar:

NM_000214.3(JAG1):c.1720+4C>T

Gene: JAG1 (jagged canonical Notch ligand 1; minus strand). Cytogenetic location: 20p12.2.
Variant type: single nucleotide variant.
Coding change: c.1720+4C>T on transcript NM_000214.3 (MANE Select); 4 bases into the intron after coding-DNA position 1720, C replaced by T.
Molecular consequence: intron variant.
Genome position (GRCh38, 1-based): chr20:10,647,956, G>A on the plus strand (C>T on the coding strand, the complement: JAG1 is on the minus strand). VCF-style: chr20-10647956-G-A. GRCh37 (hg19) VCF-style: chr20-10628604-G-A.
Identifiers: ClinVar variation 3711840 (VCV003711840.2).

ClinVar aggregate classification (germline): Uncertain significance (1 of 4 stars; one submission).

Conditions:
Alagille syndrome due to a JAG1 point mutation. Also called: Alagille Syndrome 1; JAG1-Related Alagille Syndrome; HEPATIC DUCTULAR HYPOPLASIA, SYNDROMATIC. Identifiers: Orphanet 261619, Orphanet 52, MedGen C1956125, MONDO:0016862, OMIM 118450.

gnomAD v4.1: 2 of 1,613,966 alleles (0.00012%); highest among the groups gnomAD compares: African/African-American, 0.0027%; no homozygotes.

Submission:

Labcorp Genetics (formerly Invitae), Labcorp
Classification: Uncertain significance for Alagille syndrome due to a JAG1 point mutation. Last evaluated: 2024-11-11. Review status: criteria provided, single submitter. Criteria: Invitae Variant Classification Sherloc (09022015). Collection method: clinical testing. Allele origin: germline.
Comment: This sequence change falls in intron 13 of the JAG1 gene. It does not directly change the encoded amino acid sequence of the JAG1 protein. It affects a nucleotide within the consensus splice site. This variant is present in population databases (no rsID available, gnomAD 0.01%). This variant has not been reported in the literature in individuals affected with JAG1-related conditions. Variants that disrupt the consensus splice site are a relatively common cause of aberrant splicing (PMID: 17576681, 9536098). Algorithms developed to predict the effect of sequence changes on RNA splicing suggest that this variant is not likely to affect RNA splicing. In summary, the available evidence is currently insufficient to determine the role of this variant in disease. Therefore, it has been classified as a Variant of Uncertain Significance.

Literature cited by the submitters: PubMed 17576681; PubMed 9536098.